The following is an entry in ClinVar:

NC_000018.9:g.(?_2656075)_(3215221_?)dup

Genes: EMILIN2 (elastin microfibril interfacer 2; plus strand), LPIN2 (lipin 2; minus strand), MYOM1 (myomesin 1; minus strand), SMCHD1 (structural maintenance of chromosomes flexible hinge domain containing 1; plus strand). Cytogenetic location: 18p11.32-11.31.
Variant type: Duplication.
Identifiers: ClinVar variation 2424764 (VCV002424764.3).

ClinVar aggregate classification (germline): Uncertain significance (1 of 4 stars; one submission).

Conditions:
Hypertrophic cardiomyopathy. Also called: HYPERTROPHIC MYOCARDIOPATHY. Identifiers: Orphanet 217569, MedGen C0007194, MeSH D002312, MONDO:0005045, HP:0001639.

Submission:

Labcorp Genetics (formerly Invitae), Labcorp
Classification: Uncertain significance for Hypertrophic cardiomyopathy. Last evaluated: 2022-08-27. Review status: criteria provided, single submitter. Criteria: Invitae Variant Classification Sherloc (09022015). Collection method: clinical testing. Allele origin: germline.
Comment: A copy number gain of the genomic region encompassing the full coding sequence of the MYOM1 gene has been identified. The boundaries of this event are unknown as they extend beyond the assayed region for this gene and therefore may encompass additional genes. As the precise location of this event is unknown, it may be in tandem or it may be located elsewhere in the genome. This variant has not been reported in the literature in individuals affected with MYOM1-related conditions. In summary, the available evidence is currently insufficient to determine the role of this variant in disease. Therefore, it has been classified as a Variant of Uncertain Significance.